The following is an entry in ClinVar:

NM_019023.5(PRMT7):c.1159A>G (p.Arg387Gly)

Gene: PRMT7 (protein arginine methyltransferase 7; plus strand). Cytogenetic location: 16q22.1.
Variant type: single nucleotide variant.
Coding change: c.1159A>G on transcript NM_019023.5 (MANE Select); coding-DNA position 1159, A replaced by G.
Protein change: p.Arg387Gly; replaces arginine 387 with glycine.
Molecular consequence: missense variant. On other transcripts: non-coding transcript variant (12).
Genome position (GRCh38, 1-based): chr16:68,346,248, A>G. VCF-style: chr16-68346248-A-G. GRCh37 (hg19) VCF-style: chr16-68380151-A-G.
Other names: c.1009A>G, p.Arg337Gly (NM_001184824.4); c.1159A>G, p.Arg387Gly (NM_001290018.2, NM_001351143.3, NM_001351144.3 and 1 more transcripts); c.952A>G, p.Arg318Gly (NM_001378020.1); c.922A>G, p.Arg308Gly (NM_001378021.1, NM_001378022.1, NM_001378023.1); c.1159A>G (NM_019023.3); short protein forms R387G, R337G, R318G, R308G.
Identifiers: ClinVar variation 266023 (VCV000266023.5), dbSNP rs762515973, ClinGen allele CA8127340.
Genomic context (GRCh38, chr16:68,346,248, plus strand): 5'-GACTGCCAGGCTCACCTGCTCTGGAACCGGCCTCGGTTTGGAGAGATCAATGACCAGGAC[A>G]GAACTGATCGATACGTCCAGGCTCTGAGGACCGTAAGTGTCCAGCCCCTTGGCTTGTTGT-3'
Protein context (NP_061896.1, residues 377-397): PRFGEINDQD[Arg387Gly]TDRYVQALRT

ClinVar aggregate classification (germline): Likely pathogenic. Review status: criteria provided, single submitter (1 of 4 stars). 2 submissions from 2 submitters: Likely pathogenic (1). 1 of the submissions does not count toward it. Last evaluated 2025-10-14.

Conditions:
Short stature-brachydactyly-obesity-global developmental delay syndrome. Also called: Short stature, brachydactyly, intellectual developmental disability, and seizures; SHORT STATURE, BRACHYDACTYLY, IMPAIRED INTELLECTUAL DEVELOPMENT, AND SEIZURES. Identifiers: Orphanet 464288, MedGen C4310689, MONDO:0014944, OMIM 617157.

Allele frequency attached by ClinVar (database versions not stated): gnomAD 0.00001; ExAC 0.00004; TOPMed 0.00002; gnomAD exomes 0.00005 and 0.00010.
gnomAD v4.1: 148 of 1,614,150 alleles (0.0092%); highest among the groups gnomAD compares: Non-Finnish European, 0.012%; no homozygotes.

Submissions (2):

Victorian Clinical Genetics Services, Murdoch Childrens Research Institute
Classification: Likely pathogenic for Short stature-brachydactyly-obesity-global developmental delay syndrome. Last evaluated: 2025-10-14. Review status: criteria provided, single submitter. Criteria: ACMG Guidelines, 2015. Collection method: clinical testing. Allele origin: germline. Affected: yes.
Comment: This variant is classified as Likely pathogenic. Evidence in support of pathogenic classification: Variant is present in gnomAD <0.01 for a recessive condition (v4: 148 heterozygote(s), 0 homozygote(s)); This variant has moderate previous evidence of pathogenicity in unrelated individuals. This variant has been reported in a compound heterozygous state in two individuals with syndromic developmental delay or syndromic intellectual disability with seizures (PMID: 26437029, 29453417). Missense variant predicted to be damaging by in silico tool(s) or highly conserved with a major amino acid change; Heterozygous variant detected in trans with a second PATHOGENIC heterozygous variant (NM_019023.5(PRMT7):c.1056-1G>T) in a recessive disease. Additional information: Variant is predicted to result in a missense amino acid change from Arg to Gly; This variant is heterozygous; This gene is associated with autosomal recessive disease; Alternative amino acid change(s) at the same position are present in gnomAD (v4: 1 heterozygote(s), 0 homozygote(s)); No comparable missense variants have previous evidence for pathogenicity; Variant is not located in an established domain, motif, hotspot or informative constraint region; Loss of function is a known mechanism of disease in this gene and is associated with short stature, brachydactyly, intellectual developmental disability, and seizures (MIM#617157).

OMIM
Classification: Pathogenic for SHORT STATURE, BRACHYDACTYLY, IMPAIRED INTELLECTUAL DEVELOPMENT, AND SEIZURES. Last evaluated: 2020-07-03. Review status: no assertion criteria provided. Collection method: literature only. Allele origin: germline. Not counted in ClinVar's aggregate classification.

Literature cited by the submitters: PubMed 26437029 (cited by Victorian Clinical Genetics Services, Murdoch Childrens Research Institute and OMIM); PubMed 29453417 (cited by Victorian Clinical Genetics Services, Murdoch Childrens Research Institute).